The following is an entry in ClinVar:

NM_000264.5(PTCH1):c.4018G>A (p.Gly1340Ser)

Gene: PTCH1 (patched 1; minus strand). Cytogenetic location: 9q22.32.
Variant type: single nucleotide variant.
Coding change: c.4018G>A on transcript NM_000264.5 (MANE Select); coding-DNA position 4018, G replaced by A.
Protein change: p.Gly1340Ser; replaces glycine 1340 with serine.
Molecular consequence: missense variant. On other transcripts: non-coding transcript variant (1).
Genome position (GRCh38, 1-based): chr9:95,447,238, C>T on the plus strand (G>A on the coding strand, the complement: PTCH1 is on the minus strand). VCF-style: chr9-95447238-C-T. GRCh37 (hg19) VCF-style: chr9-98209520-C-T.
Other names: c.3820G>A, p.Gly1274Ser (NM_001083602.3); c.4015G>A, p.Gly1339Ser (NM_001083603.3); c.3565G>A, p.Gly1189Ser (NM_001083604.3, NM_001083605.3, NM_001083606.3 and 1 more transcripts); c.3862G>A, p.Gly1288Ser (NM_001354918.2); short protein forms G1189S, G1274S, G1339S, G1340S, G1288S.
Identifiers: ClinVar variation 2877018 (VCV002877018.3), dbSNP rs1485371101, ClinGen allele CA374110465.

ClinVar aggregate classification (germline): Uncertain significance (1 of 4 stars; one submission).

Conditions:
Gorlin syndrome. Also called: Nevoid Basal Cell Carcinoma Syndrome; Basal cell nevus syndrome. Identifiers: Orphanet 377, MedGen C0004779, MONDO:0007187.

gnomAD v4.1: 4 of 1,611,542 alleles (0.00025%); highest among the groups gnomAD compares: Non-Finnish European, 0.00034%; no homozygotes.

Submission:

Labcorp Genetics (formerly Invitae), Labcorp
Classification: Uncertain significance for Gorlin syndrome. Last evaluated: 2024-04-08. Review status: criteria provided, single submitter. Criteria: Invitae Variant Classification Sherloc (09022015). Collection method: clinical testing. Allele origin: germline.
Comment: This sequence change replaces glycine, which is neutral and non-polar, with serine, which is neutral and polar, at codon 1340 of the PTCH1 protein (p.Gly1340Ser). This variant is not present in population databases (gnomAD no frequency). This variant has not been reported in the literature in individuals affected with PTCH1-related conditions. Advanced modeling of protein sequence and biophysical properties (such as structural, functional, and spatial information, amino acid conservation, physicochemical variation, residue mobility, and thermodynamic stability) performed at Invitae indicates that this missense variant is not expected to disrupt PTCH1 protein function with a negative predictive value of 95%. In summary, the available evidence is currently insufficient to determine the role of this variant in disease. Therefore, it has been classified as a Variant of Uncertain Significance.